The following is an entry in ClinVar:

NM_018896.5(CACNA1G):c.3703C>T (p.Arg1235Trp)

Gene: CACNA1G (calcium voltage-gated channel subunit alpha1 G; plus strand). Cytogenetic location: 17q21.33.
Variant type: single nucleotide variant.
Coding change: c.3703C>T on transcript NM_018896.5 (MANE Select); coding-DNA position 3703, C replaced by T.
Protein change: p.Arg1235Trp; replaces arginine 1235 with tryptophan.
Molecular consequence: missense variant. On other transcripts: non-coding transcript variant (5).
Genome position (GRCh38, 1-based): chr17:50,600,738, C>T. VCF-style: chr17-50600738-C-T. GRCh37 (hg19) VCF-style: chr17-48678099-C-T.
Other names: c.3703C>T, p.Arg1235Trp (NM_001256324.2, NM_001256325.2, NM_001256326.2 and 16 more transcripts); c.3634C>T, p.Arg1212Trp (NM_001256332.2, NM_198376.3, NM_198379.3 and 5 more transcripts); c.3703C>T (NM_018896.4, NM_018896.3); short protein forms R1235W, R1212W.
Identifiers: ClinVar variation 2993893 (VCV002993893.6), dbSNP rs768623076, ClinGen allele CA8652805.

ClinVar aggregate classification (germline): Uncertain significance. Review status: criteria provided, multiple submitters, no conflicts (2 of 4 stars). 4 submissions from 4 submitters: Uncertain significance (4). Last evaluated 2026-03-06.

Conditions:
Inborn genetic diseases. Identifiers: MedGen C0950123, MeSH D030342.

Allele frequency attached by ClinVar (database versions not stated): gnomAD 0.00001; gnomAD exomes 0.00001; ExAC 0.00002; TOPMed 0.00003.
gnomAD v4.1: 11 of 1,613,646 alleles (0.00068%); highest among the groups gnomAD compares: South Asian, 0.0055%; no homozygotes.

Submissions (4):

Women's Health and Genetics/Laboratory Corporation of America, LabCorp
Classification: Uncertain significance. Last evaluated: 2026-03-06. Review status: criteria provided, single submitter. Criteria: LabCorp Variant Classification Summary - May 2015. Collection method: clinical testing. Allele origin: germline.
Comment: Variant summary: CACNA1G c.3703C>T (p.Arg1235Trp) results in a non-conservative amino acid change in the encoded protein sequence. Algorithms developed to predict the effect of missense changes on protein structure and function all suggest that this variant is likely to be disruptive. The variant allele was found at a frequency of 2e-05 in 249010 control chromosomes. The available data on variant occurrences in the general population are insufficient to allow any conclusion about variant significance. To our knowledge, no occurrence of c.3703C>T in individuals affected with CACNA1G-related conditions and no experimental evidence demonstrating its impact on protein function have been reported. ClinVar contains an entry for this variant (Variation ID: 2993893). Based on the evidence outlined above, the variant was classified as uncertain significance.

Ambry Genetics
Classification: Uncertain significance for Inborn genetic diseases. Last evaluated: 2025-08-26. Review status: criteria provided, single submitter. Criteria: Ambry Variant Classification Scheme 2023. Collection method: clinical testing. Allele origin: germline.

GeneDx
Classification: Uncertain significance. Last evaluated: 2024-11-06. Review status: criteria provided, single submitter. Criteria: GeneDx Variant Classification Process June 2021. Collection method: clinical testing. Allele origin: germline. Affected: yes.
Comment: In silico analysis supports that this missense variant has a deleterious effect on protein structure/function; Has not been previously published as pathogenic or benign to our knowledge

Labcorp Genetics (formerly Invitae), Labcorp
Classification: Uncertain significance. Last evaluated: 2024-10-23. Review status: criteria provided, single submitter. Criteria: Invitae Variant Classification Sherloc (09022015). Collection method: clinical testing. Allele origin: germline.
Comment: This sequence change replaces arginine, which is basic and polar, with tryptophan, which is neutral and slightly polar, at codon 1235 of the CACNA1G protein (p.Arg1235Trp). This variant is present in population databases (rs768623076, gnomAD 0.006%). This variant has not been reported in the literature in individuals affected with CACNA1G-related conditions. Invitae Evidence Modeling of protein sequence and biophysical properties (such as structural, functional, and spatial information, amino acid conservation, physicochemical variation, residue mobility, and thermodynamic stability) has been performed for this missense variant. However, the output from this modeling did not meet the statistical confidence thresholds required to predict the impact of this variant on CACNA1G protein function. In summary, the available evidence is currently insufficient to determine the role of this variant in disease. Therefore, it has been classified as a Variant of Uncertain Significance.